The following is an entry in ClinVar:

NM_016653.3(MAP3K20):c.1900A>G (p.Arg634Gly)

Genes: MAP3K20 (mitogen-activated protein kinase kinase kinase 20; plus strand), MAP3K20-AS1 (MAP3K20 antisense RNA 1; minus strand). Cytogenetic location: 2q31.1.
Variant type: single nucleotide variant.
Coding change: c.1900A>G on transcript NM_016653.3 (MANE Select); coding-DNA position 1900, A replaced by G.
Protein change: p.Arg634Gly; replaces arginine 634 with glycine.
Molecular consequence: missense variant.
Genome position (GRCh38, 1-based): chr2:173,266,247, A>G. VCF-style: chr2-173266247-A-G. GRCh37 (hg19) VCF-style: chr2-174130975-A-G.
Other names: short protein forms R634G.
Identifiers: ClinVar variation 1518950 (VCV001518950.8), dbSNP rs1030857534, ClinGen allele CA60784675.
Genomic context (GRCh38, chr2:173,266,247, plus strand): 5'-GCTGTGAGACGGCCCCAGGTGCCCATTAAGTATCAACAGATTACACCTGTGAACCAGTCC[A>G]GAAGCTCGTCTCCTACTCAGTATGGACTGACCAAAAACTTCTCTTCCCTACATCTCAACT-3'
Protein context (NP_057737.2, residues 624-644): YQQITPVNQS[Arg634Gly]SSSPTQYGLT

ClinVar aggregate classification (germline): Uncertain significance. Review status: criteria provided, multiple submitters, no conflicts (2 of 4 stars). 2 submissions from 2 submitters: Uncertain significance (2). Last evaluated 2021-09-20.

Allele frequency attached by ClinVar (database versions not stated): TOPMed 0.00001.

Submissions (2):

Labcorp Genetics (formerly Invitae), Labcorp
Classification: Uncertain significance. Last evaluated: 2021-09-20. Review status: criteria provided, single submitter. Criteria: Invitae Variant Classification Sherloc (09022015). Collection method: clinical testing. Allele origin: germline.
Comment: In summary, the available evidence is currently insufficient to determine the role of this variant in disease. Therefore, it has been classified as a Variant of Uncertain Significance. Experimental studies and prediction algorithms are not available or were not evaluated, and the functional significance of this variant is currently unknown. This variant has not been reported in the literature in individuals affected with MAP3K20-related conditions. This variant is not present in population databases (ExAC no frequency). This sequence change replaces arginine with glycine at codon 634 of the MAP3K20 protein (p.Arg634Gly). The arginine residue is highly conserved and there is a moderate physicochemical difference between arginine and glycine.

Laboratorio de Genetica e Diagnostico Molecular, Hospital Israelita Albert Einstein
Classification: Uncertain significance. Last evaluated: 2019-06-11. Review status: criteria provided, single submitter. Criteria: ACMG Guidelines, 2015. Collection method: clinical testing. Allele origin: germline. Affected: yes.
Comment: ACMG classification criteria: PM2, PP3